The following is an entry in ClinVar:

ClinVar aggregate classification (germline): Uncertain significance (1 of 4 stars; one submission).

gnomAD v4.1: 12 of 1,359,174 alleles (0.00088%); highest among the groups gnomAD compares: Non-Finnish European, 0.00085%; no homozygotes.

Submission:

Labcorp Genetics (formerly Invitae), Labcorp
Classification: Uncertain significance. Last evaluated: 2024-03-27. Review status: criteria provided, single submitter. Criteria: Invitae Variant Classification Sherloc (09022015). Collection method: clinical testing. Allele origin: germline.
Comment: This sequence change replaces serine, which is neutral and polar, with tyrosine, which is neutral and polar, at codon 784 of the SYNPO protein (p.Ser784Tyr). This variant is present in population databases (rs767009298, gnomAD 0.01%). This variant has not been reported in the literature in individuals affected with SYNPO-related conditions. An algorithm developed to predict the effect of missense changes on protein structure and function (PolyPhen-2) suggests that this variant is likely to be disruptive. In summary, the available evidence is currently insufficient to determine the role of this variant in disease. Therefore, it has been classified as a Variant of Uncertain Significance.

NM_007286.6(SYNPO):c.2351C>A (p.Ser784Tyr)

Gene: SYNPO (synaptopodin; plus strand). Cytogenetic location: 5q33.1.
Variant type: single nucleotide variant.
Coding change: c.2351C>A on transcript NM_007286.6 (MANE Select); coding-DNA position 2351, C replaced by A.
Protein change: p.Ser784Tyr; replaces serine 784 with tyrosine.
Molecular consequence: missense variant.
Genome position (GRCh38, 1-based): chr5:150,656,726, C>A. VCF-style: chr5-150656726-C-A. GRCh37 (hg19) VCF-style: chr5-150036288-C-A.
Other names: short protein forms S784Y.
Identifiers: ClinVar variation 3630943 (VCV003630943.2).